The following is an entry in ClinVar:

NM_001267550.2(TTN):c.75010C>T (p.Arg25004Cys)

Genes: TTN (titin; minus strand), TTN-AS1 (TTN antisense RNA 1; plus strand). Cytogenetic location: 2q31.2.
Variant type: single nucleotide variant.
Coding change: c.75010C>T on transcript NM_001267550.2 (MANE Select); coding-DNA position 75010, C replaced by T.
Protein change: p.Arg25004Cys; replaces arginine 25004 with cysteine.
Molecular consequence: missense variant.
Genome position (GRCh38, 1-based): chr2:178,571,122, G>A on the plus strand (C>T on the coding strand, the complement: TTN is on the minus strand). VCF-style: chr2-178571122-G-A. GRCh37 (hg19) VCF-style: chr2-179435849-G-A.
Other names: c.70087C>T, p.Arg23363Cys (NM_001256850.1); c.47815C>T, p.Arg15939Cys (NM_003319.4); c.67306C>T, p.Arg22436Cys (NM_133378.4); c.48190C>T, p.Arg16064Cys (NM_133432.3); c.48391C>T, p.Arg16131Cys (NM_133437.4); short protein forms R22436C, R15939C, R16131C, R23363C, R16064C, R25004C.
Identifiers: ClinVar variation 1743049 (VCV001743049.4), dbSNP rs1320326326, ClinGen allele CA349629617.

ClinVar aggregate classification (germline): Conflicting classifications of pathogenicity. Review status: criteria provided, conflicting classifications (1 of 4 stars). 3 submissions from 3 submitters: Uncertain significance (2); Likely benign (1). Last evaluated 2025-08-15.

Conditions:
TTN-related disorder. Also called: TTN-related disorders; TTN-related condition; TTN-related disease.
Cardiovascular phenotype. Identifiers: MedGen CN230736.

Allele frequency attached by ClinVar (database versions not stated): TOPMed 0.00002.
gnomAD v4.1: 10 of 1,613,244 alleles (0.00062%); highest among the groups gnomAD compares: African/African-American, 0.0053%; no homozygotes.

Submissions (3):

PreventionGenetics, part of Exact Sciences
Classification: Uncertain significance for TTN-related condition. Last evaluated: 2025-08-15. Review status: criteria provided, single submitter. Criteria: ACMG Guidelines, 2015. Collection method: clinical testing. Allele origin: germline.
Comment: The TTN c.75010C>T variant is predicted to result in the amino acid substitution p.Arg25004Cys. To our knowledge, this variant has not been reported in the literature. This variant is reported in 0.0029% of alleles in individuals of Latino descent in gnomAD. At this time, the clinical significance of this variant is uncertain due to the absence of conclusive functional and genetic evidence.

Molecular Diagnostic Laboratory for Inherited Cardiovascular Disease, Montreal Heart Institute
Classification: Likely benign. Last evaluated: 2025-04-09. Review status: criteria provided, single submitter. Criteria: ACMG Guidelines, 2015. Collection method: clinical testing. Allele origin: germline. Affected: no.

Ambry Genetics
Classification: Uncertain significance for Cardiovascular phenotype. Last evaluated: 2020-04-27. Review status: criteria provided, single submitter. Criteria: Ambry Variant Classification Scheme 2023. Collection method: clinical testing. Allele origin: germline.
Comment: The p.R15939C variant (also known as c.47815C>T), located in coding exon 153 of the TTN gene, results from a C to T substitution at nucleotide position 47815. The arginine at codon 15939 is replaced by cysteine, an amino acid with highly dissimilar properties. This amino acid position is well conserved in available vertebrate species. In addition, this alteration is predicted to be tolerated by in silico analysis. Since supporting evidence is limited at this time, the clinical significance of this alteration remains unclear.